The following is an entry in ClinVar:

ClinVar aggregate classification (germline): Uncertain significance (1 of 4 stars; one submission).

Submission:

GeneDx
Classification: Uncertain significance. Last evaluated: 2025-07-15. Review status: criteria provided, single submitter. Criteria: GeneDx Variant Classification Process June 2021. Collection method: clinical testing. Allele origin: germline. Affected: yes.
Comment: Not observed at significant frequency in large population cohorts (gnomAD); In silico analysis supports that this missense variant has a deleterious effect on protein structure/function; Has not been previously published as pathogenic or benign to our knowledge

NM_001205293.3(CACNA1E):c.5585A>T (p.Asp1862Val)

Gene: CACNA1E (calcium voltage-gated channel subunit alpha1 E; plus strand). Cytogenetic location: 1q25.3.
Variant type: single nucleotide variant.
Coding change: c.5585A>T on transcript NM_001205293.3 (MANE Select); coding-DNA position 5585, A replaced by T.
Protein change: p.Asp1862Val; replaces aspartic acid 1862 with valine.
Molecular consequence: missense variant.
Genome position (GRCh38, 1-based): chr1:181,785,324, A>T. VCF-style: chr1-181785324-A-T. GRCh37 (hg19) VCF-style: chr1-181754460-A-T.
Other names: c.5585A>T, p.Asp1862Val (NM_000721.4); c.5528A>T, p.Asp1843Val (NM_001205294.2); short protein forms D1843V, D1862V.
Identifiers: ClinVar variation 4686225 (VCV004686225.1).